The following is an entry in ClinVar:

ClinVar aggregate classification (germline): Likely benign. Review status: criteria provided, multiple submitters, no conflicts (2 of 4 stars). 2 submissions from 2 submitters: Likely benign (2). Last evaluated 2024-11-01.

Conditions:
Multiple endocrine neoplasia, type 1 (MEN1). Also called: MEN I; WERMER SYNDROME; Endocrine adenomatosis multiple; MEN 1; MEA I. Identifiers: Orphanet 652, MedGen C0025267, MeSH D018761, MONDO:0007540, OMIM 131100.

Allele frequency attached by ClinVar (database versions not stated): gnomAD exomes below 0.00001.
gnomAD v4.1: 1 of 1,593,106 alleles (0.000063%); highest among the groups gnomAD compares: Non-Finnish European, 0.000085%; no homozygotes.

Submissions (2):

Myriad Genetics, Inc.
Classification: Likely benign for Multiple endocrine neoplasia, type 1. Last evaluated: 2024-11-01. Review status: criteria provided, single submitter. Criteria: Myriad Autosomal Dominant, Autosomal Recessive and X-Linked Classification Criteria (2023). Collection method: clinical testing. Allele origin: unknown.
Comment: This variant is considered likely benign. This variant is intronic and is not expected to impact mRNA splicing.

Labcorp Genetics (formerly Invitae), Labcorp
Classification: Likely benign for Multiple endocrine neoplasia, type 1. Last evaluated: 2022-09-22. Review status: criteria provided, single submitter. Criteria: Invitae Variant Classification Sherloc (09022015). Collection method: clinical testing. Allele origin: germline.

NM_001370259.2(MEN1):c.446-17A>G

Gene: MEN1 (menin 1; minus strand). Cytogenetic location: 11q13.1.
Variant type: single nucleotide variant.
Coding change: c.446-17A>G on transcript NM_001370259.2 (MANE Select); 17 bases into the intron before coding-DNA position 446, A replaced by G.
Molecular consequence: intron variant.
Genome position (GRCh38, 1-based): chr11:64,808,116, T>C on the plus strand (A>G on the coding strand, the complement: MEN1 is on the minus strand). VCF-style: chr11-64808116-T-C. GRCh37 (hg19) VCF-style: chr11-64575588-T-C.
Other names: c.461-17A>G (NM_130804.3, NM_130803.3, NM_000244.4 and 3 more transcripts); c.446-17A>G (NM_130799.3, NM_001370260.2, NM_001370251.2 and 3 more transcripts).
Identifiers: ClinVar variation 2117785 (VCV002117785.5), dbSNP rs976346871, ClinGen allele CA2580084542.